The following is an entry in ClinVar:

NM_001903.5(CTNNA1):c.727C>G (p.Leu243Val)

Gene: CTNNA1 (catenin alpha 1; plus strand). Cytogenetic location: 5q31.2.
Variant type: single nucleotide variant.
Coding change: c.727C>G on transcript NM_001903.5 (MANE Select); coding-DNA position 727, C replaced by G.
Protein change: p.Leu243Val; replaces leucine 243 with valine.
Molecular consequence: missense variant.
Genome position (GRCh38, 1-based): chr5:138,824,668, C>G. VCF-style: chr5-138824668-C-G. GRCh37 (hg19) VCF-style: chr5-138160357-C-G.
Other names: c.727C>G, p.Leu243Val (NM_001290307.3, NM_001323982.2, NM_001323983.1 and 3 more transcripts); c.418C>G, p.Leu140Val (NM_001290309.3); c.358C>G, p.Leu120Val (NM_001290310.3); c.727C>G (NM_001903.3); short protein forms L140V, L120V, L243V.
Identifiers: ClinVar variation 1758053 (VCV001758053.8), dbSNP rs765813825, ClinGen allele CA3431543.

ClinVar aggregate classification (germline): Conflicting classifications of pathogenicity. Review status: criteria provided, conflicting classifications (1 of 4 stars). 3 submissions from 3 submitters: Uncertain significance (2); Benign (1). Last evaluated 2025-11-24.

Conditions:
Hereditary cancer-predisposing syndrome. Also called: Neoplastic Syndromes, Hereditary; Tumor predisposition; Hereditary Cancer Syndrome; Hereditary neoplastic syndrome. Identifiers: Orphanet 140162, MedGen C0027672, MeSH D009386, MONDO:0015356.

Allele frequency attached by ClinVar (database versions not stated): gnomAD exomes below 0.00001; TOPMed 0.00001.

Submissions (3):

Labcorp Genetics (formerly Invitae), Labcorp
Classification: Uncertain significance. Last evaluated: 2025-11-24. Review status: criteria provided, single submitter. Criteria: Invitae Variant Classification Sherloc (09022015). Collection method: clinical testing. Allele origin: germline.
Comment: This sequence change replaces leucine, which is neutral and non-polar, with valine, which is neutral and non-polar, at codon 243 of the CTNNA1 protein (p.Leu243Val). This variant is present in population databases (rs765813825, gnomAD 0.01%). This variant has not been reported in the literature in individuals affected with CTNNA1-related conditions. ClinVar contains an entry for this variant (Variation ID: 1758053). Invitae Evidence Modeling of protein sequence and biophysical properties (such as structural, functional, and spatial information, amino acid conservation, physicochemical variation, residue mobility, and thermodynamic stability) indicates that this missense variant is not expected to disrupt CTNNA1 protein function with a negative predictive value of 80%. In summary, the available evidence is currently insufficient to determine the role of this variant in disease. Therefore, it has been classified as a Variant of Uncertain Significance.

GeneDx
Classification: Uncertain significance. Last evaluated: 2024-07-02. Review status: criteria provided, single submitter. Criteria: GeneDx Variant Classification Process June 2021. Collection method: clinical testing. Allele origin: germline. Affected: yes.
Comment: In silico analysis indicates that this missense variant does not alter protein structure/function; Has not been previously published as pathogenic or benign to our knowledge

Ambry Genetics
Classification: Benign for Hereditary cancer-predisposing syndrome. Last evaluated: 2024-07-01. Review status: criteria provided, single submitter. Criteria: Ambry Variant Classification Scheme 2023. Collection method: clinical testing. Allele origin: germline.